The following is an entry in ClinVar:

NM_001844.5(COL2A1):c.1932del (p.Gly645fs)

Gene: COL2A1 (collagen type II alpha 1 chain; minus strand). Cytogenetic location: 12q13.11.
Variant type: Deletion.
Coding change: c.1932del on transcript NM_001844.5 (MANE Select); coding-DNA position 1932, one base deleted (T; older notation c.1932delT).
Protein change: p.Gly645fs; shifts the reading frame from glycine 645.
Molecular consequence: frameshift variant.
Genome position (GRCh38, 1-based): chr12:47,984,096, A deleted on the plus strand (T on the coding strand, the reverse complement: COL2A1 is on the minus strand). VCF-style (leftmost placement, unchanged base first): chr12-47984095-CA-C. GRCh37 (hg19) VCF-style: chr12-48377878-CA-C.
Other names: c.1725del, p.Gly576fs (NM_033150.3); short protein forms G645fs, G576fs.
Identifiers: ClinVar variation 2768759 (VCV002768759.3), dbSNP rs2540141581, ClinGen allele CA2697559215.

ClinVar aggregate classification (germline): Pathogenic (1 of 4 stars; one submission).

Submission:

Labcorp Genetics (formerly Invitae), Labcorp
Classification: Pathogenic. Last evaluated: 2023-10-15. Review status: criteria provided, single submitter. Criteria: Invitae Variant Classification Sherloc (09022015). Collection method: clinical testing. Allele origin: germline.
Comment: This sequence change creates a premature translational stop signal (p.Gly645Alafs*143) in the COL2A1 gene. It is expected to result in an absent or disrupted protein product. Loss-of-function variants in COL2A1 are known to be pathogenic (PMID: 20179744). This variant is not present in population databases (gnomAD no frequency). This variant has not been reported in the literature in individuals affected with COL2A1-related conditions. For these reasons, this variant has been classified as Pathogenic.

Literature cited by the submitters: PubMed 20179744.